The following is an entry in ClinVar:

NM_032383.5(HPS3):c.2625C>T (p.Ser875=)

Genes: CP (ceruloplasmin; minus strand), HPS3 (HPS3 biogenesis of lysosomal organelles complex 2 subunit 1; plus strand). Cytogenetic location: 3q24.
Variant type: single nucleotide variant.
Coding change: c.2625C>T on transcript NM_032383.5 (MANE Select); coding-DNA position 2625, C replaced by T.
Protein change: p.Ser875=; no amino-acid change (serine 875 retained).
Molecular consequence: synonymous variant.
Genome position (GRCh38, 1-based): chr3:149,167,069, C>T. VCF-style: chr3-149167069-C-T. GRCh37 (hg19) VCF-style: chr3-148884856-C-T.
Other names: c.2130C>T, p.Ser710= (NM_001308258.2); c.2625C>T (NM_032383.4).
Identifiers: ClinVar variation 1133446 (VCV001133446.12), dbSNP rs200121725, ClinGen allele CA2660425.
Genomic context (GRCh38, chr3:149,167,069, plus strand): 5'-TAACATTTCACTTTTCTGTTCATAGTCTCTTATATGTGGTCCTTCATTTGACATAGCTTC[C>T]ATTATTCCGTTCTTGGAGCCACTTTCAGAAGACACTATTGCCGGCCTCAGTGTCCATGTT-3'
Protein context (NP_115759.2, residues 865-885): LICGPSFDIA[Ser875=]IIPFLEPLSE

ClinVar aggregate classification (germline): Likely benign. Review status: criteria provided, multiple submitters, no conflicts (2 of 4 stars). 3 submissions from 3 submitters: Likely benign (2). 1 of the submissions does not count toward it. Last evaluated 2025-10-14.

Conditions:
HPS3-related disorder. Also called: HPS3-related condition.

Allele frequency attached by ClinVar (database versions not stated): ExAC 0.00002; gnomAD 0.00002 and 0.00003; gnomAD exomes 0.00003 and 0.00004; TOPMed 0.00006; 1000 Genomes Project 0.00020; 1000 Genomes Project 30x 0.00031.
gnomAD v4.1: 52 of 1,613,662 alleles (0.0032%); highest among the groups gnomAD compares: Admixed American, 0.017%; no homozygotes.

Submissions (3):

Labcorp Genetics (formerly Invitae), Labcorp
Classification: Likely benign. Last evaluated: 2025-10-14. Review status: criteria provided, single submitter. Criteria: Invitae Variant Classification Sherloc (09022015). Collection method: clinical testing. Allele origin: germline.

Blueprint Genetics
Classification: Likely benign. Last evaluated: 2024-03-09. Review status: criteria provided, single submitter. Criteria: ACMG Guidelines, 2015. Collection method: clinical testing. Allele origin: germline.

PreventionGenetics, part of Exact Sciences
Classification: Uncertain significance for HPS3-related condition. Last evaluated: 2023-12-20. Review status: no assertion criteria provided. Collection method: clinical testing. Allele origin: germline. Not counted in ClinVar's aggregate classification.
Comment: The HPS3 c.2625C>T variant is not predicted to result in an amino acid change (p.=). To our knowledge, this variant has not been reported in the literature. This variant is reported in 0.020% of alleles in individuals of Latino descent in gnomAD. At this time, the clinical significance of this variant is uncertain due to the absence of conclusive functional and genetic evidence.